The following is an entry in ClinVar:

NM_144631.6(ZNF513):c.157G>A (p.Glu53Lys)

Gene: ZNF513 (zinc finger protein 513; minus strand). Cytogenetic location: 2p23.3.
Variant type: single nucleotide variant.
Coding change: c.157G>A on transcript NM_144631.6 (MANE Select); coding-DNA position 157, G replaced by A.
Protein change: p.Glu53Lys; replaces glutamic acid 53 with lysine.
Molecular consequence: missense variant. On other transcripts: 5 prime UTR variant (1).
Genome position (GRCh38, 1-based): chr2:27,380,147, C>T on the plus strand (G>A on the coding strand, the complement: ZNF513 is on the minus strand). VCF-style: chr2-27380147-C-T. GRCh37 (hg19) VCF-style: chr2-27603014-C-T.
Other names: c.-30G>A (NM_001201459.2); short protein forms E53K.
Identifiers: ClinVar variation 839238 (VCV000839238.9), dbSNP rs759604523, ClinGen allele CA1578145.

ClinVar aggregate classification (germline): Uncertain significance (1 of 4 stars; one submission).

Allele frequency attached by ClinVar (database versions not stated): gnomAD exomes below 0.00001 and 0.00001; TOPMed below 0.00001; ExAC 0.00001; gnomAD 0.00001.
gnomAD v4.1: 10 of 1,613,924 alleles (0.00062%); highest among the groups gnomAD compares: South Asian, 0.0011%; no homozygotes.

Submission:

Labcorp Genetics (formerly Invitae), Labcorp
Classification: Uncertain significance. Last evaluated: 2025-05-18. Review status: criteria provided, single submitter. Criteria: Invitae Variant Classification Sherloc (09022015). Collection method: clinical testing. Allele origin: germline.
Comment: This sequence change replaces glutamic acid, which is acidic and polar, with lysine, which is basic and polar, at codon 53 of the ZNF513 protein (p.Glu53Lys). This variant is present in population databases (rs759604523, gnomAD 0.003%). This variant has not been reported in the literature in individuals affected with ZNF513-related conditions. ClinVar contains an entry for this variant (Variation ID: 839238). An algorithm developed to predict the effect of missense changes on protein structure and function (PolyPhen-2) suggests that this variant is likely to be tolerated. In summary, the available evidence is currently insufficient to determine the role of this variant in disease. Therefore, it has been classified as a Variant of Uncertain Significance.